The following is an entry in ClinVar:

NM_001330078.2(NRXN1):c.4382G>C (p.Gly1461Ala)

Gene: NRXN1 (neurexin 1; minus strand). Cytogenetic location: 2p16.3.
Variant type: single nucleotide variant.
Coding change: c.4382G>C on transcript NM_001330078.2 (MANE Select); coding-DNA position 4382, G replaced by C.
Protein change: p.Gly1461Ala; replaces glycine 1461 with alanine.
Molecular consequence: missense variant.
Genome position (GRCh38, 1-based): chr2:49,922,086, C>G on the plus strand (G>C on the coding strand, the complement: NRXN1 is on the minus strand). VCF-style: chr2-49922086-C-G. GRCh37 (hg19) VCF-style: chr2-50149224-C-G.
Other names: c.4502G>C, p.Gly1501Ala (NM_001135659.3); c.287G>C, p.Gly96Ala (NM_001320156.4); c.278G>C, p.Gly93Ala (NM_001320157.4); c.4358G>C, p.Gly1453Ala (NM_001330077.2); c.4349G>C, p.Gly1450Ala (NM_001330082.2); c.4217G>C, p.Gly1406Ala (NM_001330083.2); c.4316G>C, p.Gly1439Ala (NM_001330084.2); c.4355G>C, p.Gly1452Ala (NM_001330085.2); and 12 more; short protein forms G1414A, G1452A, G1458A, G1401A, G1453A, G1460A, G1461A, G1501A.
Identifiers: ClinVar variation 2071995 (VCV002071995.4), dbSNP rs1362325788, ClinGen allele CA346818478.
Genomic context (GRCh38, chr2:49,922,086, plus strand): 5'-GCCCCATTGGACTGTGCTGAGTTACTGATGTAGTTTCGACTCTCGTCCACATGGTATGAG[C>G]CTTCATCCCGGTTTCTGTACTTGTACATGGCATAGAGGAGGATAAGGATGCACAGGGCGG-3'
Protein context (NP_001317007.1, residues 1451-1471): AMYKYRNRDE[Gly1461Ala]SYHVDESRNY

ClinVar aggregate classification (germline): Uncertain significance (1 of 4 stars; one submission).

Conditions:
Pitt-Hopkins-like syndrome 2 (PTHSL2). Identifiers: Orphanet 221150, Orphanet 600663, MedGen C3280479, MONDO:0013690, OMIM 614325.

Submission:

Labcorp Genetics (formerly Invitae), Labcorp
Classification: Uncertain significance for Pitt-Hopkins-like syndrome 2. Last evaluated: 2022-01-04. Review status: criteria provided, single submitter. Criteria: Invitae Variant Classification Sherloc (09022015). Collection method: clinical testing. Allele origin: germline.
Comment: In summary, the available evidence is currently insufficient to determine the role of this variant in disease. Therefore, it has been classified as a Variant of Uncertain Significance. Algorithms developed to predict the effect of missense changes on protein structure and function are either unavailable or do not agree on the potential impact of this missense change (SIFT: "Tolerated"; PolyPhen-2: "Probably Damaging"; Align-GVGD: "Class C0"). This variant has not been reported in the literature in individuals affected with NRXN1-related conditions. This variant is not present in population databases (gnomAD no frequency). This sequence change replaces glycine, which is neutral and non-polar, with alanine, which is neutral and non-polar, at codon 1501 of the NRXN1 protein (p.Gly1501Ala).